The following is an entry in ClinVar:

NM_000391.4(TPP1):c.1435C>G (p.Pro479Ala)

Gene: TPP1 (tripeptidyl peptidase 1; minus strand). Cytogenetic location: 11p15.4.
Variant type: single nucleotide variant.
Coding change: c.1435C>G on transcript NM_000391.4 (MANE Select); coding-DNA position 1435, C replaced by G.
Protein change: p.Pro479Ala; replaces proline 479 with alanine.
Molecular consequence: missense variant.
Genome position (GRCh38, 1-based): chr11:6,614,982, G>C on the plus strand (C>G on the coding strand, the complement: TPP1 is on the minus strand). VCF-style: chr11-6614982-G-C. GRCh37 (hg19) VCF-style: chr11-6636213-G-C.
Other names: short protein forms P479A.
Identifiers: ClinVar variation 527746 (VCV000527746.8), dbSNP rs756530648, ClinGen allele CA5858644.
Genomic context (GRCh38, chr11:6,614,982, plus strand): 5'-GGGGGCGGCCACTAAGGATCCTGTGCTCATTGATCAAGGATAGGATCCCCCCAAACACTG[G>C]AGTAGAGGCCTACAAGAGTGAAGGTGCAAGTAGAGGTCAGGGGTTCTGAGTGATTGGACT-3'
Protein context (NP_000382.3, residues 469-489): PWVSGTSAST[Pro479Ala]VFGGILSLIN

ClinVar aggregate classification (germline): Conflicting classifications of pathogenicity. Review status: criteria provided, conflicting classifications (1 of 4 stars). 3 submissions from 3 submitters: Likely pathogenic (1); Uncertain significance (1). 1 of the submissions does not count toward it. Last evaluated 2024-02-28.

Conditions:
Neuronal ceroid lipofuscinosis 2. Also called: JANSKY-BIELSCHOWSKY DISEASE NEURONAL CEROID LIPOFUSCINOSIS, LATE INFANTILE; TPP1-Related Neuronal Ceroid-Lipofuscinosis. Identifiers: Orphanet 168491, Orphanet 228349, Orphanet 79264, MedGen C1876161, MONDO:0008769, OMIM 204500.

Allele frequency attached by ClinVar (database versions not stated): TOPMed below 0.00001; gnomAD exomes 0.00001; ExAC 0.00002.
gnomAD v4.1: 7 of 1,614,112 alleles (0.00043%); highest among the groups gnomAD compares: South Asian, 0.0066%; no homozygotes.

Submissions (3):

Human Genetics Section, Sidra Medicine
Classification: Likely pathogenic for Neuronal ceroid lipofuscinosis 2. Last evaluated: 2024-02-28. Review status: criteria provided, single submitter. Criteria: ACMG Guidelines, 2015. Collection method: research. Allele origin: germline. Affected: yes. Observed: 1 variant allele.
Comment: computational prediction tools unanimously support a deleterious effect on the gene. Extremely low frequency in GnomAD ( Total allele frequency in GnomAD 0.00001193). The variant is classified as likely pathogenic according to ACMG criteria.

Labcorp Genetics (formerly Invitae), Labcorp
Classification: Uncertain significance. Last evaluated: 2021-09-01. Review status: criteria provided, single submitter. Criteria: Invitae Variant Classification Sherloc (09022015). Collection method: clinical testing. Allele origin: germline.

Natera, Inc.
Classification: Uncertain significance for Neuronal ceroid lipofuscinosis 2. Last evaluated: 2019-11-11. Review status: no assertion criteria provided. Collection method: clinical testing. Allele origin: germline. Not counted in ClinVar's aggregate classification.